The following is an entry in ClinVar:

NM_000051.4(ATM):c.5435_5437del (p.Ala1812_Phe1813delinsVal)

Gene: ATM (ATM serine/threonine kinase; plus strand). Cytogenetic location: 11q22.3.
Variant type: Deletion.
Coding change: c.5435_5437del on transcript NM_000051.4 (MANE Select); coding-DNA positions 5435 to 5437, 3 bases deleted (CTT; older notation c.5435_5437delCTT).
Protein change: p.Ala1812_Phe1813delinsVal.
Molecular consequence: inframe indel.
Genome position (GRCh38, 1-based): chr11:108,302,968-108,302,970, CTT deleted. VCF-style (leftmost placement, unchanged base first): chr11-108302967-GCTT-G. GRCh37 (hg19) VCF-style: chr11-108173694-GCTT-G.
Other names: c.5435_5437del, p.Ala1812_Phe1813delinsVal (NM_001351834.2).
Identifiers: ClinVar variation 1747513 (VCV001747513.4), dbSNP rs2546980231, ClinGen allele CA2580083135.

ClinVar aggregate classification (germline): Conflicting classifications of pathogenicity. Review status: criteria provided, conflicting classifications (1 of 4 stars). 2 submissions from 2 submitters: Likely pathogenic (1); Uncertain significance (1). Last evaluated 2025-09-23.

Conditions:
Hereditary cancer-predisposing syndrome. Also called: Neoplastic Syndromes, Hereditary; Tumor predisposition; Hereditary Cancer Syndrome; Hereditary neoplastic syndrome. Identifiers: Orphanet 140162, MedGen C0027672, MeSH D009386, MONDO:0015356.
Ataxia-telangiectasia syndrome (AT). Also called: LOUIS-BAR SYNDROME; Cerebello-oculocutaneous telangiectasia; Immunodeficiency with ataxia telangiectasia; Ataxia-telangiectasia, complementation group D; AT, COMPLEMENTATION GROUP C; ATAXIA-TELANGIECTASIA, COMPLEMENTATION GROUP A. Identifiers: Orphanet 100, MedGen C0004135, MONDO:0008840, OMIM 208900.

Submissions (2):

Labcorp Genetics (formerly Invitae), Labcorp
Classification: Uncertain significance for Ataxia-telangiectasia syndrome. Last evaluated: 2025-09-23. Review status: criteria provided, single submitter. Criteria: Invitae Variant Classification Sherloc (09022015). Collection method: clinical testing. Allele origin: germline.
Comment: This variant, c.5435_5437del, is a complex sequence change that results in the deletion of 2 and insertion of 1 amino acid(s) in the ATM protein (p.Ala1812_Phe1813delinsVal). This variant is not present in population databases (gnomAD no frequency). This variant has been observed in individual(s) with ataxia-telangiectasia (PMID: 9497252). In at least one individual the data is consistent with being in trans (on the opposite chromosome) from a pathogenic variant. This variant is also known as 5435del3. ClinVar contains an entry for this variant (Variation ID: 1747513). In summary, the available evidence is currently insufficient to determine the role of this variant in disease. Therefore, it has been classified as a Variant of Uncertain Significance.

Ambry Genetics
Classification: Likely pathogenic for Hereditary cancer-predisposing syndrome. Last evaluated: 2022-11-30. Review status: criteria provided, single submitter. Criteria: Ambry Variant Classification Scheme 2023. Collection method: clinical testing. Allele origin: germline.
Comment: The c.5435_5437delCTT variant (also known as p.A1812_F1813delinsV) is located in coding exon 35 of the ATM gene. This variant results from an in-frame CTT deletion at nucleotide positions 5435 to 5437. The alanine and phenylalanine at codons 1812 and 1813 are replaced by a valine residue. This alteration has been reported in trans with another ATM mutation (designated 6572ins7) in a patient with ataxia telangiectasia (Gilad S et al. Am J Hum Genet 1998 Mar;62(3):551-61). In addition, this alteration is predicted to be deleterious by in silico analysis (Choi Y et al. PLoS ONE. 2012; 7(10):e46688). This variant was not reported in population-based cohorts in the Genome Aggregation Database (gnomAD). Based on the majority of available evidence to date, this variant is likely to be pathogenic.

Literature cited by the submitters: PubMed 9497252 (cited by Labcorp Genetics (formerly Invitae), Labcorp).